The following is an entry in ClinVar:

NM_002878.4(RAD51D):c.603G>A (p.Lys201=)

Genes: RAD51L3-RFFL (RAD51L3-RFFL readthrough; minus strand), RAD51D (RAD51 paralog D; minus strand). Cytogenetic location: 17q12.
Variant type: single nucleotide variant.
Coding change: c.603G>A on transcript NM_002878.4 (MANE Select); coding-DNA position 603, G replaced by A.
Protein change: p.Lys201=; no amino-acid change (lysine 201 retained).
Molecular consequence: synonymous variant. On other transcripts: non-coding transcript variant (3).
Genome position (GRCh38, 1-based): chr17:35,103,518, C>T on the plus strand (G>A on the coding strand, the complement: RAD51D is on the minus strand). VCF-style: chr17-35103518-C-T. GRCh37 (hg19) VCF-style: chr17-33430537-C-T.
Other names: c.663G>A, p.Lys221= (NM_001142571.2); c.267G>A, p.Lys89= (NM_133629.3).
Identifiers: ClinVar variation 1078707 (VCV001078707.12), dbSNP rs2091565129, ClinGen allele CA499730636.

ClinVar aggregate classification (germline): Benign/Likely benign. Review status: criteria provided, multiple submitters, no conflicts (2 of 4 stars). 4 submissions from 4 submitters: Benign (1); Likely benign (3). Last evaluated 2025-12-24.

Conditions:
Hereditary cancer-predisposing syndrome. Also called: Hereditary Cancer Syndrome; Hereditary neoplastic syndrome; Tumor predisposition; Neoplastic Syndromes, Hereditary. Identifiers: Orphanet 140162, MedGen C0027672, MeSH D009386, MONDO:0015356.
Breast-ovarian cancer, familial, susceptibility to, 4. Identifiers: Orphanet 145, MedGen C3280345, MONDO:0013669, OMIM 614291.

Submissions (4):

Labcorp Genetics (formerly Invitae), Labcorp
Classification: Likely benign for Breast-ovarian cancer, familial, susceptibility to, 4. Last evaluated: 2025-12-24. Review status: criteria provided, single submitter. Criteria: Invitae Variant Classification Sherloc (09022015). Collection method: clinical testing. Allele origin: germline.

Myriad Genetics, Inc.
Classification: Benign for Breast-ovarian cancer, familial, susceptibility to, 4. Last evaluated: 2025-02-24. Review status: criteria provided, single submitter. Criteria: Myriad Autosomal Dominant, Autosomal Recessive and X-Linked Classification Criteria (2023). Collection method: clinical testing. Allele origin: unknown.
Comment: This variant is considered benign. This variant is a silent/synonymous amino acid change and it is not expected to impact splicing.

Color Diagnostics, LLC DBA Color Health
Classification: Likely benign for Hereditary cancer-predisposing syndrome. Last evaluated: 2021-01-26. Review status: criteria provided, single submitter. Criteria: ACMG Guidelines, 2015. Collection method: clinical testing. Allele origin: germline.

Ambry Genetics
Classification: Likely benign for Hereditary cancer-predisposing syndrome. Last evaluated: 2020-05-22. Review status: criteria provided, single submitter. Criteria: Ambry Variant Classification Scheme 2023. Collection method: clinical testing. Allele origin: germline.